The following is an entry in ClinVar:

NM_000057.4(BLM):c.3101del (p.Thr1034fs)

Gene: BLM (BLM RecQ like helicase; plus strand). Cytogenetic location: 15q26.1.
Variant type: Deletion.
Coding change: c.3101del on transcript NM_000057.4 (MANE Select); coding-DNA position 3101, one base deleted (C; older notation c.3101delC).
Protein change: p.Thr1034fs; shifts the reading frame from threonine 1034.
Molecular consequence: frameshift variant.
Genome position (GRCh38, 1-based): chr15:90,794,248, C deleted. VCF-style (leftmost placement, unchanged base first): chr15-90794247-AC-A. GRCh37 (hg19) VCF-style: chr15-91337477-AC-A.
Other names: c.3101del, p.Thr1034fs (NM_001287246.2, NM_001287247.2); c.1976del, p.Thr659fs (NM_001287248.2); short protein forms T659fs, T1034fs.
Identifiers: ClinVar variation 1727650 (VCV001727650.2), dbSNP rs2505525096, ClinGen allele CA2580090299.

ClinVar aggregate classification (germline): Pathogenic (1 of 4 stars; one submission).

Conditions:
Hereditary cancer-predisposing syndrome. Also called: Tumor predisposition; Neoplastic Syndromes, Hereditary; Hereditary Cancer Syndrome; Hereditary neoplastic syndrome. Identifiers: Orphanet 140162, MedGen C0027672, MeSH D009386, MONDO:0015356.

Submission:

Ambry Genetics
Classification: Pathogenic for Hereditary cancer-predisposing syndrome. Last evaluated: 2022-02-01. Review status: criteria provided, single submitter. Criteria: Ambry Variant Classification Scheme 2023. Collection method: clinical testing. Allele origin: germline.
Comment: The c.3101delC variant, located in coding exon 15 of the BLM gene, results from a deletion of one nucleotide at nucleotide position 3101, causing a translational frameshift with a predicted alternate stop codon (p.T1034Rfs*44). This alteration is expected to result in loss of function by premature protein truncation or nonsense-mediated mRNA decay. As such, this alteration is interpreted as a disease-causing mutation.